The following is an entry in ClinVar:

ClinVar aggregate classification (germline): Uncertain significance (1 of 4 stars; one submission).

Conditions:
Emery-Dreifuss muscular dystrophy 5, autosomal dominant (EDMD5). Also called: EMERY-DREIFUSS MUSCULAR DYSTROPHY 5. Identifiers: Orphanet 261, MedGen C2751805, MONDO:0013072, OMIM 612999.

Submission:

Labcorp Genetics (formerly Invitae), Labcorp
Classification: Uncertain significance for Emery-Dreifuss muscular dystrophy 5, autosomal dominant. Last evaluated: 2022-08-24. Review status: criteria provided, single submitter. Criteria: Invitae Variant Classification Sherloc (09022015). Collection method: clinical testing. Allele origin: germline.
Comment: In summary, the available evidence is currently insufficient to determine the role of this variant in disease. Therefore, it has been classified as a Variant of Uncertain Significance. Algorithms developed to predict the effect of missense changes on protein structure and function are either unavailable or do not agree on the potential impact of this missense change (SIFT: "Tolerated"; PolyPhen-2: "Probably Damaging"; Align-GVGD: "Class C0"). ClinVar contains an entry for this variant (Variation ID: 943831). This variant has not been reported in the literature in individuals affected with SYNE2-related conditions. This variant is not present in population databases (gnomAD no frequency). This sequence change replaces glutamic acid, which is acidic and polar, with glycine, which is neutral and non-polar, at codon 5136 of the SYNE2 protein (p.Glu5136Gly).

NM_182914.3(SYNE2):c.15407A>G (p.Glu5136Gly)

Gene: SYNE2 (spectrin repeat containing nuclear envelope protein 2; plus strand). Cytogenetic location: 14q23.2.
Variant type: single nucleotide variant.
Coding change: c.15407A>G on transcript NM_182914.3 (MANE Select); coding-DNA position 15407, A replaced by G.
Protein change: p.Glu5136Gly; replaces glutamic acid 5136 with glycine.
Molecular consequence: missense variant.
Genome position (GRCh38, 1-based): chr14:64,143,872, A>G. VCF-style: chr14-64143872-A-G. GRCh37 (hg19) VCF-style: chr14-64610590-A-G.
Other names: c.15407A>G, p.Glu5136Gly (NM_015180.6); short protein forms E5136G.
Identifiers: ClinVar variation 943831 (VCV000943831.9), dbSNP rs2098160730, ClinGen allele CA389943816.
Genomic context (GRCh38, chr14:64,143,872, plus strand): 5'-ACTTCGTTAACCAGTCATTACTTCAGCTAAGCACCTGTGATGTAGAAAGCAAGCGCTATG[A>G]AAGAACGGAGTTTGCAGAGCACCTGGGGGAGATGAACCGCCAGTGGCACCGTGTACATGG-3'
Protein context (NP_878918.2, residues 5126-5146): STCDVESKRY[Glu5136Gly]RTEFAEHLGE